The following is an entry in ClinVar:

ClinVar aggregate classification (germline): Uncertain significance (1 of 4 stars; one submission).

Conditions:
Dextro-looped transposition of the great arteries. Also called: Dextrotransposition of the great arteries. Identifiers: Orphanet 860, MedGen C3531771, MONDO:0019443, OMIM 608808, HP:0031348.

Submission:

Labcorp Genetics (formerly Invitae), Labcorp
Classification: Uncertain significance for Dextro-looped transposition of the great arteries. Last evaluated: 2023-12-30. Review status: criteria provided, single submitter. Criteria: Invitae Variant Classification Sherloc (09022015). Collection method: clinical testing. Allele origin: germline.
Comment: This sequence change replaces proline, which is neutral and non-polar, with serine, which is neutral and polar, at codon 952 of the MED13L protein (p.Pro952Ser). This variant is not present in population databases (gnomAD no frequency). This variant has not been reported in the literature in individuals affected with MED13L-related conditions. Advanced modeling of protein sequence and biophysical properties (such as structural, functional, and spatial information, amino acid conservation, physicochemical variation, residue mobility, and thermodynamic stability) performed at Invitae indicates that this missense variant is expected to disrupt MED13L protein function with a positive predictive value of 80%. In summary, the available evidence is currently insufficient to determine the role of this variant in disease. Therefore, it has been classified as a Variant of Uncertain Significance.

NM_015335.5(MED13L):c.2854C>T (p.Pro952Ser)

Gene: MED13L (mediator complex subunit 13L; minus strand). Cytogenetic location: 12q24.21.
Variant type: single nucleotide variant.
Coding change: c.2854C>T on transcript NM_015335.5 (MANE Select); coding-DNA position 2854, C replaced by T.
Protein change: p.Pro952Ser; replaces proline 952 with serine.
Molecular consequence: missense variant.
Genome position (GRCh38, 1-based): chr12:115,996,618, G>A on the plus strand (C>T on the coding strand, the complement: MED13L is on the minus strand). VCF-style: chr12-115996618-G-A. GRCh37 (hg19) VCF-style: chr12-116434423-G-A.
Other names: short protein forms P952S.
Identifiers: ClinVar variation 2885225 (VCV002885225.3), dbSNP rs2499872942, ClinGen allele CA386889818.